The following is an entry in ClinVar:

ClinVar aggregate classification (germline): Benign/Likely benign. Review status: criteria provided, multiple submitters, no conflicts (2 of 4 stars). 4 submissions from 4 submitters: Benign (1); Likely benign (3). Last evaluated 2026-01-20.

Conditions:
Autosomal recessive spastic paraplegia type 78. Identifiers: Orphanet 513436, MedGen C5567893, MONDO:0014975, OMIM 617225.
Kufor-Rakeb syndrome (KRS). Also called: PARKINSON DISEASE 9, AUTOSOMAL RECESSIVE, JUVENILE-ONSET. Identifiers: Orphanet 306674, Orphanet 314632, MedGen C1847640, MONDO:0011706, OMIM 606693.
Inborn genetic diseases. Identifiers: MedGen C0950123, MeSH D030342.

Allele frequency attached by ClinVar (database versions not stated): gnomAD 0.00014 and 0.00027; gnomAD exomes 0.00025 and 0.00075; TOPMed 0.00049; ExAC 0.00071; 1000 Genomes Project 30x 0.00125; 1000 Genomes Project 0.00140.
gnomAD v4.1: 428 of 1,614,204 alleles (0.027%); highest among the groups gnomAD compares: East Asian, 0.82%; no homozygotes.

Submissions (4):

Labcorp Genetics (formerly Invitae), Labcorp
Classification: Benign for Kufor-Rakeb syndrome; Autosomal recessive spastic paraplegia type 78. Last evaluated: 2026-01-20. Review status: criteria provided, single submitter. Criteria: Invitae Variant Classification Sherloc (09022015). Collection method: clinical testing. Allele origin: germline.

Blueprint Genetics
Classification: Likely benign. Last evaluated: 2024-10-03. Review status: criteria provided, single submitter. Criteria: ACMG Guidelines, 2015. Collection method: clinical testing. Allele origin: germline.

Ambry Genetics
Classification: Likely benign for Inborn genetic diseases. Last evaluated: 2019-01-18. Review status: criteria provided, single submitter. Criteria: Ambry Variant Classification Scheme 2023. Collection method: clinical testing. Allele origin: germline.

Illumina Laboratory Services, Illumina
Classification: Likely benign for Kufor-Rakeb syndrome. Last evaluated: 2018-01-13. Review status: criteria provided, single submitter. Criteria: ICSL Variant Classification Criteria 13 December 2019. Collection method: clinical testing. Allele origin: germline.
Comment: This variant was observed in the ICSL laboratory as part of a predisposition screen in an ostensibly healthy population. It had not been previously curated by ICSL or reported in the Human Gene Mutation Database (HGMD: prior to June 1st, 2018), and was therefore a candidate for classification through an automated scoring system. Utilizing variant allele frequency, disease prevalence and penetrance estimates, and inheritance mode, an automated score was calculated to assess if this variant is too frequent to cause the disease. Based on the score and internal cut-off values, a variant classified as likely benign is not then subjected to further curation. The score for this variant resulted in a classification of likely benign for this disease.

NM_022089.4(ATP13A2):c.106-5C>T

Gene: ATP13A2 (ATPase cation transporting 13A2; minus strand). Cytogenetic location: 1p36.13.
Variant type: single nucleotide variant.
Coding change: c.106-5C>T on transcript NM_022089.4 (MANE Select); 5 bases into the intron before coding-DNA position 106, C replaced by T.
Molecular consequence: intron variant.
Genome position (GRCh38, 1-based): chr1:17,005,561, G>A on the plus strand (C>T on the coding strand, the complement: ATP13A2 is on the minus strand). VCF-style: chr1-17005561-G-A. GRCh37 (hg19) VCF-style: chr1-17332056-G-A.
Other names: c.106-5C>T (NM_001141974.3, NM_001141973.3).
Identifiers: ClinVar variation 705980 (VCV000705980.16), dbSNP rs117838709, ClinGen allele CA637756.
Genomic context (GRCh38, chr1:17,005,561, plus strand): 5'-ACCACGACGTGATAGCCGATGACCCTCCATGGACTGCCACAGTAGCCGCTGAGCCTCTGC[G>A]AACGCAGCGAGAGAGGGCCCAGGTCGGGGTGGGAACGGGGCTGGAGTAGGAAGTTGGGGT-3'